The following is an entry in ClinVar:

NM_000551.4(VHL):c.340+690C>G

Genes: VHL (von Hippel-Lindau tumor suppressor; plus strand), LOC107303340 (3p25 von Hippel-Lindau tumor suppressor, E3 ubiquitin protein ligase Alu-mediated recombination region; plus strand). Cytogenetic location: 3p25.3.
Variant type: single nucleotide variant.
Coding change: c.340+690C>G on transcript NM_000551.4 (MANE Select); 690 bases into the intron after coding-DNA position 340, C replaced by G.
Molecular consequence: intron variant. On other transcripts: missense variant (1), non-coding transcript variant (1).
Genome position (GRCh38, 1-based): chr3:10,142,877, C>G. VCF-style: chr3-10142877-C-G. GRCh37 (hg19) VCF-style: chr3-10184561-C-G.
Other names: c.455C>G, p.Ala152Gly (NM_001354723.2); c.340+690C>G (NM_198156.3); short protein forms A152G.
Identifiers: ClinVar variation 3752035 (VCV003752035.2).

ClinVar aggregate classification (germline): Uncertain significance (1 of 4 stars; one submission).

Conditions:
Chuvash polycythemia. Also called: POLYCYTHEMIA, VHL-DEPENDENT. Identifiers: Orphanet 238557, MedGen C1837915, MONDO:0009892, OMIM 263400.
Von Hippel-Lindau syndrome (VHLS). Also called: VHL syndrome; von Hippel–Lindau syndrome; Von Hippel-Lindau. Identifiers: Orphanet 892, MedGen C0019562, MONDO:0008667, OMIM 193300. Disease mechanism: loss of function.

Submission:

Labcorp Genetics (formerly Invitae), Labcorp
Classification: Uncertain significance for Von Hippel-Lindau syndrome; Chuvash polycythemia. Last evaluated: 2024-06-11. Review status: criteria provided, single submitter. Criteria: Invitae Variant Classification Sherloc (09022015). Collection method: clinical testing. Allele origin: germline.
Comment: This sequence change falls in intron 1 of the VHL gene. It is not expected to change the encoded amino acid sequence of the VHL protein. However, this sequence change falls within a cryptic exon in the VHL gene, known as exon E1’, which is naturally expressed at low levels in several human tissues (PMID: 29891534). This variant is not present in population databases (gnomAD no frequency). This variant has not been reported in the literature in individuals affected with VHL-related conditions. Algorithms developed to predict the effect of sequence changes on RNA splicing suggest that this variant is not likely to affect RNA splicing. In summary, the available evidence is currently insufficient to determine the role of this variant in disease. Therefore, it has been classified as a Variant of Uncertain Significance.

Literature cited by the submitters: PubMed 29891534.